The following is an entry in ClinVar:

ClinVar aggregate classification (germline): Uncertain significance. Review status: criteria provided, multiple submitters, no conflicts (2 of 4 stars). 2 submissions from 2 submitters: Uncertain significance (2). Last evaluated 2025-04-13.

Conditions:
Inborn genetic diseases. Identifiers: MedGen C0950123, MeSH D030342.

Allele frequency attached by ClinVar (database versions not stated): TOPMed 0.00001; gnomAD exomes below 0.00001.
gnomAD v4.1: 1 of 1,614,236 alleles (0.000062%); highest among the groups gnomAD compares: Admixed American, 0.0017%; no homozygotes.

Submissions (2):

Ambry Genetics
Classification: Uncertain significance for Inborn genetic diseases. Last evaluated: 2025-04-13. Review status: criteria provided, single submitter. Criteria: Ambry Variant Classification Scheme 2023. Collection method: clinical testing. Allele origin: germline.

GeneDx
Classification: Uncertain significance. Last evaluated: 2020-01-07. Review status: criteria provided, single submitter. Criteria: GeneDx Variant Classification Process June 2021. Collection method: clinical testing. Allele origin: germline. Affected: yes.
Comment: Not observed in large population cohorts (Lek et al., 2016); In silico analysis, which includes protein predictors and evolutionary conservation, supports that this variant does not alter protein structure/function; Has not been previously published as pathogenic or benign to our knowledge

NM_025137.4(SPG11):c.5710T>G (p.Tyr1904Asp)

Gene: SPG11 (SPG11 vesicle trafficking associated, spatacsin; minus strand). Cytogenetic location: 15q21.1.
Variant type: single nucleotide variant.
Coding change: c.5710T>G on transcript NM_025137.4 (MANE Select); coding-DNA position 5710, T replaced by G.
Protein change: p.Tyr1904Asp; replaces tyrosine 1904 with aspartic acid.
Molecular consequence: missense variant.
Genome position (GRCh38, 1-based): chr15:44,583,970, A>C on the plus strand (T>G on the coding strand, the complement: SPG11 is on the minus strand). VCF-style: chr15-44583970-A-C. GRCh37 (hg19) VCF-style: chr15-44876168-A-C.
Other names: c.5710T>G, p.Tyr1904Asp (NM_001160227.2); short protein forms Y1904D.
Identifiers: ClinVar variation 1311674 (VCV001311674.3), dbSNP rs2082705435, ClinGen allele CA392221614.